The following is an entry in ClinVar:

NM_001098672.2(HEPHL1):c.641_644dup (p.Tyr215Ter)

Gene: HEPHL1 (hephaestin like 1; plus strand). Cytogenetic location: 11q21.
Variant type: Duplication.
Coding change: c.641_644dup on transcript NM_001098672.2 (MANE Select); coding-DNA positions 641 to 644, 4 bases duplicated (GATA; older notation c.641_644dupGATA).
Protein change: p.Tyr215Ter; replaces tyrosine 215 with a stop codon.
Molecular consequence: nonsense.
Genome position (GRCh38, 1-based): chr11:94,064,343-94,064,346, GATA duplicated; duplicating any 4 consecutive bases within chr11:94,064,340-94,064,346 gives the same sequence; the c. name uses the placement nearest the transcript's 3' end. VCF-style (leftmost placement, unchanged base first): chr11-94064339-A-AATAG. GRCh37 (hg19) VCF-style: chr11-93797505-A-AATAG.
Other names: short protein forms Y215*.
Identifiers: ClinVar variation 2584877 (VCV002584877.1), dbSNP rs2496211929, ClinGen allele CA2574951620.

ClinVar aggregate classification (germline): Likely pathogenic (1 of 4 stars; one submission).

Conditions:
Pili torti-developmental delay-neurological abnormalities syndrome. Identifiers: Orphanet 2891, MedGen C1849811, MONDO:0009871, OMIM 261990.

Submission:

Neuberg Centre For Genomic Medicine, NCGM
Classification: Likely pathogenic for Pili torti-developmental delay-neurological abnormalities syndrome. Review status: criteria provided, single submitter. Criteria: ACMG Guidelines, 2015. Collection method: clinical testing. Allele origin: germline. Inheritance: Autosomal recessive inheritance. Affected: yes.
Comment: The frameshift variant c.641_644dup (p.Tyr215Ter) in HEPHL1 gene has not been reported previously as a pathogenic variant nor as a benign variant, to our knowledge. The p.Phe370MetfsTer57 variant is novel (not in any individuals) in gnomAD Exomes and is novel (not in any individuals) in 1000 Genomes. This variant has not been reported to the ClinVar database. This variant is predicted to cause loss of normal protein function through protein truncation. Loss of function variants have been previously reported to be disease causing. For these reasons, this variant has been classified as Likely Pathogenic.